The following is an entry in ClinVar:

ClinVar aggregate classification (germline): Uncertain significance (1 of 4 stars; one submission).

Conditions:
Inborn genetic diseases. Identifiers: MedGen C0950123, MeSH D030342.

Submission:

Ambry Genetics
Classification: Uncertain significance for Inborn genetic diseases. Last evaluated: 2026-05-18. Review status: criteria provided, single submitter. Criteria: Ambry Variant Classification Scheme 2023. Collection method: clinical testing. Allele origin: germline.
Comment: The p.H1001L variant (also known as c.3002A>T), located in coding exon 1 of the SAMD9 gene, results from an A to T substitution at nucleotide position 3002. The histidine at codon 1001 is replaced by leucine, an amino acid with similar properties. This amino acid position is conserved. In addition, this alteration is predicted to be tolerated by in silico analysis. Based on the available evidence, the clinical significance of this variant remains unclear.

NM_017654.4(SAMD9):c.3002A>T (p.His1001Leu)

Gene: SAMD9 (sterile alpha motif domain containing 9; minus strand). Cytogenetic location: 7q21.2.
Variant type: single nucleotide variant.
Coding change: c.3002A>T on transcript NM_017654.4 (MANE Select); coding-DNA position 3002, A replaced by T.
Protein change: p.His1001Leu; replaces histidine 1001 with leucine.
Molecular consequence: missense variant.
Genome position (GRCh38, 1-based): chr7:93,103,096, T>A on the plus strand (A>T on the coding strand, the complement: SAMD9 is on the minus strand). VCF-style: chr7-93103096-T-A. GRCh37 (hg19) VCF-style: chr7-92732409-T-A.
Other names: c.3002A>T, p.His1001Leu (NM_001193307.2); short protein forms H1001L.
Identifiers: ClinVar variation 4863865 (VCV004863865.1).